The following is an entry in ClinVar:

ClinVar aggregate classification (germline): Pathogenic. Review status: criteria provided, multiple submitters, no conflicts (2 of 4 stars). 3 submissions from 3 submitters: Pathogenic (2). 1 of the submissions does not count toward it. Last evaluated 2024-11-21.

Conditions:
Macrothrombocytopenia and granulocyte inclusions with or without nephritis or sensorineural hearing loss (MATINS). Also called: MYH9-Related Disease (MYH9-RD); DOHLE LEUKOCYTE INCLUSIONS WITH GIANT PLATELETS; BLEEDING DISORDER, PLATELET-TYPE, 6; Fechtner syndrome; Epstein syndrome; Giant platelet syndrome with thrombocytopenia. Identifiers: Orphanet 182050, MedGen C5200934, MONDO:0015912, OMIM 155100.
MYH9-related disorder. Identifiers: MedGen C1854520.

Submissions (3):

Blueprint Genetics
Classification: Pathogenic for MYH9-related disorders. Last evaluated: 2024-11-21. Review status: criteria provided, single submitter. Criteria: ACMG Guidelines, 2015. Collection method: clinical testing. Allele origin: germline. Affected: yes. Observed: 1 variant allele.

Labcorp Genetics (formerly Invitae), Labcorp
Classification: Pathogenic. Last evaluated: 2024-08-28. Review status: criteria provided, single submitter. Criteria: Invitae Variant Classification Sherloc (09022015). Collection method: clinical testing. Allele origin: germline.
Comment: This sequence change replaces threonine, which is neutral and polar, with isoleucine, which is neutral and non-polar, at codon 1155 of the MYH9 protein (p.Thr1155Ile). This variant is not present in population databases (gnomAD no frequency). This missense change has been observed in individual(s) with MYH9-related disorders (PMID: 10973260, 12792306; internal data). In at least one individual the variant was observed to be de novo. ClinVar contains an entry for this variant (Variation ID: 14077). Invitae Evidence Modeling of protein sequence and biophysical properties (such as structural, functional, and spatial information, amino acid conservation, physicochemical variation, residue mobility, and thermodynamic stability) has been performed for this missense variant. However, the output from this modeling did not meet the statistical confidence thresholds required to predict the impact of this variant on MYH9 protein function. For these reasons, this variant has been classified as Pathogenic.

OMIM
Classification: Pathogenic for MACROTHROMBOCYTOPENIA AND GRANULOCYTE INCLUSIONS WITH OR WITHOUT NEPHRITIS OR SENSORINEURAL HEARING LOSS. Last evaluated: 2003-05-01. Review status: no assertion criteria provided. Collection method: literature only. Allele origin: germline. Not counted in ClinVar's aggregate classification.

Literature cited by the submitters: PubMed 10973260 (cited by Labcorp Genetics (formerly Invitae), Labcorp and OMIM); PubMed 12792306 (cited by Labcorp Genetics (formerly Invitae), Labcorp and OMIM).

NM_002473.6(MYH9):c.3464C>T (p.Thr1155Ile)

Gene: MYH9 (myosin heavy chain 9; minus strand). Cytogenetic location: 22q12.3.
Variant type: single nucleotide variant.
Coding change: c.3464C>T on transcript NM_002473.6 (MANE Select); coding-DNA position 3464, C replaced by T.
Protein change: p.Thr1155Ile; replaces threonine 1155 with isoleucine.
Molecular consequence: missense variant.
Genome position (GRCh38, 1-based): chr22:36,295,526, G>A on the plus strand (C>T on the coding strand, the complement: MYH9 is on the minus strand). VCF-style: chr22-36295526-G-A. GRCh37 (hg19) VCF-style: chr22-36691572-G-A.
Other names: short protein forms T1155I.
Identifiers: ClinVar variation 14077 (VCV000014077.7), dbSNP rs121913656, ClinGen allele CA257093.